The following is an entry in ClinVar:

ClinVar aggregate classification (germline): Uncertain significance. Review status: criteria provided, multiple submitters, no conflicts (2 of 4 stars). 3 submissions from 3 submitters: Uncertain significance (3). Last evaluated 2025-02-18.

Allele frequency attached by ClinVar (database versions not stated): gnomAD exomes 0.00001; ExAC 0.00005; gnomAD 0.00005; 1000 Genomes Project 30x 0.00016; TOPMed 0.00017; 1000 Genomes Project 0.00020.
gnomAD v4.1: 23 of 1,551,556 alleles (0.0015%); highest among the groups gnomAD compares: Admixed American, 0.027%; no homozygotes.

Submissions (3):

GeneDx
Classification: Uncertain significance. Last evaluated: 2025-02-18. Review status: criteria provided, single submitter. Criteria: GeneDx Variant Classification Process June 2021. Collection method: clinical testing. Allele origin: germline.
Comment: In silico analysis supports that this missense variant has a deleterious effect on protein structure/function; Has not been previously published as pathogenic or benign to our knowledge

Labcorp Genetics (formerly Invitae), Labcorp
Classification: Uncertain significance. Last evaluated: 2022-10-25. Review status: criteria provided, single submitter. Criteria: Invitae Variant Classification Sherloc (09022015). Collection method: clinical testing. Allele origin: germline.
Comment: This sequence change replaces proline, which is neutral and non-polar, with leucine, which is neutral and non-polar, at codon 3009 of the UNC80 protein (p.Pro3009Leu). This variant is present in population databases (rs544636492, gnomAD 0.008%). This variant has not been reported in the literature in individuals affected with UNC80-related conditions. ClinVar contains an entry for this variant (Variation ID: 928695). Advanced modeling of protein sequence and biophysical properties (such as structural, functional, and spatial information, amino acid conservation, physicochemical variation, residue mobility, and thermodynamic stability) performed at Invitae indicates that this missense variant is not expected to disrupt UNC80 protein function. In summary, the available evidence is currently insufficient to determine the role of this variant in disease. Therefore, it has been classified as a Variant of Uncertain Significance.

Women's Health and Genetics/Laboratory Corporation of America, LabCorp
Classification: Uncertain significance. Last evaluated: 2019-03-13. Review status: criteria provided, single submitter. Criteria: LabCorp Variant Classification Summary - May 2015. Collection method: clinical testing. Allele origin: germline.
Comment: Variant summary: UNC80 c.9026C>T (p.Pro3009Leu) results in a non-conservative amino acid change in the encoded protein sequence. Three of five in-silico tools predict a damaging effect of the variant on protein function. The variant allele was found at a frequency of 1.3e-05 in 151054 control chromosomes (gnomAD). The available data on variant occurrences in the general population are insufficient to allow any conclusion about variant significance. To our knowledge, no occurrence of c.9026C>T in individuals affected with IHPRF2 (Infantile hypotonia with psychomotor retardation and characteristic facies 2) and no experimental evidence demonstrating its impact on protein function have been reported. No clinical diagnostic laboratories have submitted clinical-significance assessments for this variant to ClinVar after 2014. Based on the evidence outlined above, the variant was classified as uncertain significance.

NM_001371986.1(UNC80):c.9224C>T (p.Pro3075Leu)

Gene: UNC80 (unc-80 subunit of NALCN channel complex; plus strand). Cytogenetic location: 2q34.
Variant type: single nucleotide variant.
Coding change: c.9224C>T on transcript NM_001371986.1 (MANE Select); coding-DNA position 9224, C replaced by T.
Protein change: p.Pro3075Leu; replaces proline 3075 with leucine.
Molecular consequence: missense variant.
Genome position (GRCh38, 1-based): chr2:209,982,284, C>T. VCF-style: chr2-209982284-C-T. GRCh37 (hg19) VCF-style: chr2-210847008-C-T.
Other names: c.9026C>T, p.Pro3009Leu (NM_032504.2); c.9011C>T, p.Pro3004Leu (NM_182587.4); short protein forms P3004L, P3009L, P3075L.
Identifiers: ClinVar variation 928695 (VCV000928695.8), dbSNP rs544636492, ClinGen allele CA2083642.